The following is an entry in ClinVar:

NM_002025.4(AFF2):c.1078A>G (p.Ile360Val)

Gene: AFF2 (ALF transcription elongation factor 2; plus strand). Cytogenetic location: Xq28.
Variant type: single nucleotide variant.
Coding change: c.1078A>G on transcript NM_002025.4 (MANE Select); coding-DNA position 1078, A replaced by G.
Protein change: p.Ile360Val; replaces isoleucine 360 with valine.
Molecular consequence: missense variant.
Genome position (GRCh38, 1-based): chrX:148,809,912, A>G. VCF-style: chrX-148809912-A-G. GRCh37 (hg19) VCF-style: chrX-147891436-A-G.
Other names: c.1066A>G, p.Ile356Val (NM_001169122.2, NM_001169123.2, NM_001169125.2); c.1078A>G, p.Ile360Val (NM_001169124.2); c.88A>G, p.Ile30Val (NM_001170628.1); short protein forms I30V, I356V, I360V.
Identifiers: ClinVar variation 3346315 (VCV003346315.1).
Genomic context (GRCh38, chrX:148,809,912, plus strand): 5'-TGTTTTCTGTTTATTTTGTTTCAGGTAAGCCTTCCCAGTGATCCAAGCTGTGTTGAAGAA[A>G]TCTTGCGGGTGAGTTTAAACCTTTATTTTTGTGCCTTTTAATAATGAAGCAATCTATCTG-3'
Protein context (NP_002016.2, residues 350-370): LPSDPSCVEE[Ile360Val]LREMTHSWPT

ClinVar aggregate classification (germline): Uncertain significance (0 of 4 stars; one submission).

Conditions:
AFF2-related disorder. Also called: AFF2-related condition.

Submission:

PreventionGenetics, part of Exact Sciences
Classification: Uncertain significance for AFF2-related condition. Last evaluated: 2024-06-01. Review status: no assertion criteria provided. Collection method: clinical testing. Allele origin: germline.
Comment: The AFF2 c.1078A>G variant is predicted to result in the amino acid substitution p.Ile360Val. To our knowledge, this variant has not been reported in the literature or in gnomAD, indicating this variant is rare. At this time, the clinical significance of this variant is uncertain due to the absence of conclusive functional and genetic evidence.